The following is an entry in ClinVar:

ClinVar aggregate classification (germline): Uncertain significance (1 of 4 stars; one submission).

Submission:

Labcorp Genetics (formerly Invitae), Labcorp
Classification: Uncertain significance. Last evaluated: 2022-07-19. Review status: criteria provided, single submitter. Criteria: Invitae Variant Classification Sherloc (09022015). Collection method: clinical testing. Allele origin: germline.
Comment: This variant, c.26_40del, results in the deletion of 5 amino acid(s) of the NAXE protein (p.Gly9_Leu13del), but otherwise preserves the integrity of the reading frame. This variant is not present in population databases (gnomAD no frequency). This variant has not been reported in the literature in individuals affected with NAXE-related conditions. ClinVar contains an entry for this variant (Variation ID: 1504310). Experimental studies and prediction algorithms are not available or were not evaluated, and the functional significance of this variant is currently unknown. In summary, the available evidence is currently insufficient to determine the role of this variant in disease. Therefore, it has been classified as a Variant of Uncertain Significance.

NM_144772.3(NAXE):c.26_40del (p.Gly9_Leu13del)

Gene: NAXE (NAD(P)HX epimerase; plus strand). Cytogenetic location: 1q22.
Variant type: Deletion.
Coding change: c.26_40del on transcript NM_144772.3 (MANE Select); coding-DNA positions 26 to 40, 15 bases deleted (GCCTCGGGCTGCTGG).
Protein change: p.Gly9_Leu13del.
Molecular consequence: inframe deletion.
Genome position (GRCh38, 1-based): chr1:156,591,830-156,591,844, GCCTCGGGCTGCTGG deleted; deleting any 15 consecutive bases within chr1:156,591,822-156,591,844 gives the same sequence; the c. name uses the placement nearest the transcript's 3' end. VCF-style (leftmost placement, unchanged base first): chr1-156591821-CGCTGCTGGGCCTCGG-C. GRCh37 (hg19) VCF-style: chr1-156561613-CGCTGCTGGGCCTCGG-C.
Identifiers: ClinVar variation 1504310 (VCV001504310.5), dbSNP rs2102488762, ClinGen allele CA2573131179.